The following is an entry in ClinVar:

NM_013276.4(SHPK):c.173G>A (p.Arg58Gln)

Gene: SHPK (sedoheptulokinase; minus strand). Cytogenetic location: 17p13.2.
Variant type: single nucleotide variant.
Coding change: c.173G>A on transcript NM_013276.4 (MANE Select); coding-DNA position 173, G replaced by A.
Protein change: p.Arg58Gln; replaces arginine 58 with glutamine.
Molecular consequence: missense variant.
Genome position (GRCh38, 1-based): chr17:3,630,342, C>T on the plus strand (G>A on the coding strand, the complement: SHPK is on the minus strand). VCF-style: chr17-3630342-C-T. GRCh37 (hg19) VCF-style: chr17-3533636-C-T.
Other names: short protein forms R58Q.
Identifiers: ClinVar variation 1521973 (VCV001521973.6), dbSNP rs767773648, ClinGen allele CA8291418.

ClinVar aggregate classification (germline): Uncertain significance (1 of 4 stars; one submission).

Allele frequency attached by ClinVar (database versions not stated): gnomAD 0.00001; TOPMed 0.00002; gnomAD exomes 0.00003 and 0.00004; ExAC 0.00006.
gnomAD v4.1: 50 of 1,607,754 alleles (0.0031%); highest among the groups gnomAD compares: East Asian, 0.022%; no homozygotes.

Submission:

Labcorp Genetics (formerly Invitae), Labcorp
Classification: Uncertain significance. Last evaluated: 2024-08-29. Review status: criteria provided, single submitter. Criteria: Invitae Variant Classification Sherloc (09022015). Collection method: clinical testing. Allele origin: germline.
Comment: This sequence change replaces arginine, which is basic and polar, with glutamine, which is neutral and polar, at codon 58 of the SHPK protein (p.Arg58Gln). This variant is present in population databases (rs767773648, gnomAD 0.02%). This variant has not been reported in the literature in individuals affected with SHPK-related conditions. ClinVar contains an entry for this variant (Variation ID: 1521973). An algorithm developed to predict the effect of missense changes on protein structure and function outputs the following: PolyPhen-2: "Benign". The glutamine amino acid residue is found in multiple mammalian species, which suggests that this missense change does not adversely affect protein function. In summary, the available evidence is currently insufficient to determine the role of this variant in disease. Therefore, it has been classified as a Variant of Uncertain Significance.